The following is an entry in ClinVar:

ClinVar aggregate classification (germline): Likely benign (1 of 4 stars; one submission).

Conditions:
Cardiomyopathy (CMYO). Also called: Cardiomyopathies. Identifiers: Orphanet 167848, MedGen C0878544, MONDO:0004994, HP:0001638. Inheritance: Various modes of inheritance.

Submission:

All of Us Research Program, National Institutes of Health
Classification: Likely benign for Cardiomyopathy. Last evaluated: 2023-11-20. Review status: criteria provided, single submitter. Criteria: ACMG Guidelines, 2015. Collection method: clinical testing. Allele origin: germline. Inheritance: Autosomal dominant inheritance. Observed: 1 variant allele, 1 heterozygote.
Comment: This study involves interpretation of variants in research participants for the purpose of population health screening. Participant phenotype was not available at the time of variant classification. Additional details can be found in publication PMID: 35346344, PMCID: PMC8962531

NM_000257.4(MYH7):c.4236C>G (p.Ser1412=)

Gene: MYH7 (myosin heavy chain 7; minus strand). Cytogenetic location: 14q11.2.
Variant type: single nucleotide variant.
Coding change: c.4236C>G on transcript NM_000257.4 (MANE Select); coding-DNA position 4236, C replaced by G.
Protein change: p.Ser1412=; no amino-acid change (serine 1412 retained).
Molecular consequence: synonymous variant.
Genome position (GRCh38, 1-based): chr14:23,417,620, G>C on the plus strand (C>G on the coding strand, the complement: MYH7 is on the minus strand). VCF-style: chr14-23417620-G-C. GRCh37 (hg19) VCF-style: chr14-23886829-G-C.
Other names: c.4236C>G, p.Ser1412= (NM_001407004.1).
Identifiers: ClinVar variation 3074698 (VCV003074698.1), dbSNP rs2502251972, ClinGen allele CA485617872.